The following is an entry in ClinVar:

NM_000138.5(FBN1):c.7729dup (p.Cys2577fs)

Gene: FBN1 (fibrillin 1; minus strand). Cytogenetic location: 15q21.1.
Variant type: Duplication.
Coding change: c.7729dup on transcript NM_000138.5 (MANE Select); coding-DNA position 7729, one base duplicated (T; older notation c.7729dupT).
Protein change: p.Cys2577fs; shifts the reading frame from cysteine 2577.
Molecular consequence: frameshift variant.
Genome position (GRCh38, 1-based): chr15:48,420,777, A duplicated on the plus strand (T on the coding strand, the reverse complement: FBN1 is on the minus strand). VCF-style (leftmost placement, unchanged base first): chr15-48420776-C-CA. GRCh37 (hg19) VCF-style: chr15-48712973-C-CA.
Other names: c.7729dupT (NM_000138.4); short protein forms C2577fs.
Identifiers: ClinVar variation 406337 (VCV000406337.9), dbSNP rs1555394151, ClinGen allele CA16614487.
Genomic context (GRCh38, chr15:48,420,776, plus strand): 5'-AGGTAGCCCTGGGGGCAGCTGCACCTGTAGCCCCCAATGATGTTCTGGCAGCCATGCTGG[C>CA]AGCGGTGGTTACCCTCACACTCGTCCACGTCTGAAAAAGAAGCAGAGCCACCATGATGCC-3'

ClinVar aggregate classification (germline): Pathogenic. Review status: criteria provided, multiple submitters, no conflicts (2 of 4 stars). 3 submissions from 2 submitters: Pathogenic (3). Last evaluated 2021-02-22.

Conditions:
Familial thoracic aortic aneurysm and aortic dissection (TAAD). Also called: Thoracic aortic aneurysms and dissections. Identifiers: Orphanet 91387, MedGen C4707243, MONDO:0019625.
Marfan syndrome (MFS). Also called: Marfan syndrome, classic; Marfan syndrome type 1; Marfan's syndrome; MARFAN SYNDROME, TYPE I; FBN1-Related Marfan Syndrome. Identifiers: Orphanet 284963, Orphanet 558, MedGen C0024796, MONDO:0007947, OMIM 154700.

Submissions (3):

Ambry Genetics
Classification: Pathogenic for Familial thoracic aortic aneurysm and aortic dissection. Last evaluated: 2021-02-22. Review status: criteria provided, single submitter. Criteria: Ambry Variant Classification Scheme 2023. Collection method: clinical testing. Allele origin: germline.
Comment: The c.7729dupT pathogenic mutation, located in coding exon 62 of the FBN1 gene, results from a duplication of T at nucleotide position 7729, causing a translational frameshift with a predicted alternate stop codon (p.C2577Lfs*31). This alteration is expected to result in loss of function by premature protein truncation or nonsense-mediated mRNA decay. As such, this alteration is interpreted as a disease-causing mutation.

Labcorp Genetics (formerly Invitae), Labcorp
Classification: Pathogenic for Marfan syndrome. Last evaluated: 2016-09-12. Review status: criteria provided, single submitter. Criteria: Invitae Variant Classification Sherloc (09022015). Collection method: clinical testing. Allele origin: germline.
Comment: This sequence change inserts 1 nucleotide in exon 63 of the FBN1 mRNA (c.7729dupT), causing a frameshift at codon 2577. This creates a premature translational stop signal (p.Cys2577Leufs*31) and is expected to result in an absent or disrupted protein product. While this particular variant has not been reported in the literature, loss-of-function variants in FBN1 are known to be pathogenic (PMID: 17657824, 19293843). For these reasons, this variant has been classified as Pathogenic.

Labcorp Genetics (formerly Invitae), Labcorp
Classification: Pathogenic for Marfan syndrome; Familial thoracic aortic aneurysm and aortic dissection. Last evaluated: 2016-09-12. Review status: criteria provided, single submitter. Criteria: Invitae Variant Classification Sherloc (09022015). Collection method: clinical testing. Allele origin: germline.
Comment: For these reasons, this variant has been classified as Pathogenic. While this particular variant has not been reported in the literature, loss-of-function variants in FBN1 are known to be pathogenic (PMID: 17657824, 19293843). This sequence change inserts 1 nucleotide in exon 63 of the FBN1 mRNA (c.7729dupT), causing a frameshift at codon 2577. This creates a premature translational stop signal (p.Cys2577Leufs*31) and is expected to result in an absent or disrupted protein product.

Literature cited by the submitters: PubMed 17657824 (cited by Labcorp Genetics (formerly Invitae), Labcorp); PubMed 19293843 (cited by Labcorp Genetics (formerly Invitae), Labcorp).